The following is an entry in ClinVar:

ClinVar aggregate classification (germline): Likely benign (1 of 4 stars; one submission).

Allele frequency attached by ClinVar (database versions not stated): gnomAD exomes below 0.00001; TOPMed below 0.00001.
gnomAD v4.1: 1 of 1,613,360 alleles (0.000062%); highest among the groups gnomAD compares: Non-Finnish European, 0.000085%; no homozygotes.

Submission:

CeGaT Center for Human Genetics Tuebingen
Classification: Likely benign. Last evaluated: 2023-08-01. Review status: criteria provided, single submitter. Criteria: CeGaT Center For Human Genetics Tuebingen Variant Classification Criteria Version 2. Collection method: clinical testing. Allele origin: germline. Affected: yes. Observed: 1 variant allele.
Comment: VCAM1: PM2:Supporting, BP4, BP7

NM_001078.4(VCAM1):c.1665A>G (p.Leu555=)

Gene: VCAM1 (vascular cell adhesion molecule 1; plus strand). Cytogenetic location: 1p21.2.
Variant type: single nucleotide variant.
Coding change: c.1665A>G on transcript NM_001078.4 (MANE Select); coding-DNA position 1665, A replaced by G.
Protein change: p.Leu555=; no amino-acid change (leucine 555 retained).
Molecular consequence: synonymous variant.
Genome position (GRCh38, 1-based): chr1:100,732,557, A>G. VCF-style: chr1-100732557-A-G. GRCh37 (hg19) VCF-style: chr1-101198113-A-G.
Other names: c.1479A>G, p.Leu493= (NM_001199834.2); c.1389A>G, p.Leu463= (NM_080682.3).
Identifiers: ClinVar variation 2638942 (VCV002638942.24), dbSNP rs1571460918, ClinGen allele CA419317803.